The following is an entry in ClinVar:

ClinVar aggregate classification (germline): Uncertain significance. Review status: criteria provided, single submitter (1 of 4 stars). 2 submissions from 2 submitters: Uncertain significance (1). 1 of the submissions does not count toward it. Last evaluated 2026-09-01.

Conditions:
Hypophosphatasia. Also called: Phosphoethanol-aminuria. Identifiers: Orphanet 436, MedGen C0020630, MeSH D007014, MONDO:0018570.

Submissions (2):

Genomenon, Inc
Classification: Uncertain significance for Hypophosphatasia. Last evaluated: 2026-09-01. Review status: criteria provided, single submitter. Criteria: Genomenon Sequence Variant Interpretation Standards - Updated. Collection method: curation. Allele origin: germline. Affected: yes.
Comment: ALPL p.Asn493Ser (c.1478A>G) is a missense variant that changes the amino acid at codon 493 from Asparagine to Serine. This variant has been observed in at least one proband affected with an ALPL-related disorder (PMID:33404770). It is absent or not present at a significant frequency in gnomAD. In conclusion, we classify ALPL p.Asn493Ser (c.1478A>G) as a variant of uncertain significance.

Natera, Inc.
Classification: Uncertain significance for Hypophosphatasia. Last evaluated: 2025-05-27. Review status: no assertion criteria provided. Collection method: clinical testing. Allele origin: germline. Not counted in ClinVar's aggregate classification.

Literature cited by the submitters: PubMed 33404770 (cited by Genomenon, Inc).

NM_000478.6(ALPL):c.1478A>G (p.Asn493Ser)

Gene: ALPL (alkaline phosphatase, biomineralization associated; plus strand). Cytogenetic location: 1p36.12.
Variant type: single nucleotide variant.
Coding change: c.1478A>G on transcript NM_000478.6 (MANE Select); coding-DNA position 1478, A replaced by G.
Protein change: p.Asn493Ser; replaces asparagine 493 with serine.
Molecular consequence: missense variant.
Genome position (GRCh38, 1-based): chr1:21,577,551, A>G. VCF-style: chr1-21577551-A-G. GRCh37 (hg19) VCF-style: chr1-21904044-A-G.
Other names: c.1313A>G, p.Asn438Ser (NM_001127501.4); c.1247A>G, p.Asn416Ser (NM_001177520.3); c.1478A>G, p.Asn493Ser (NM_001369803.2, NM_001369804.2, NM_001369805.2); short protein forms N416S, N438S, N493S.
Identifiers: ClinVar variation 4060085 (VCV004060085.2).